The following is an entry in ClinVar:

ClinVar aggregate classification (germline): Uncertain significance. Review status: criteria provided, multiple submitters, no conflicts (2 of 4 stars). 3 submissions from 3 submitters: Uncertain significance (3). Last evaluated 2022-03-10.

Conditions:
Hereditary cancer-predisposing syndrome. Also called: Hereditary neoplastic syndrome; Neoplastic Syndromes, Hereditary; Tumor predisposition; Hereditary Cancer Syndrome. Identifiers: Orphanet 140162, MedGen C0027672, MeSH D009386, MONDO:0015356.
Familial adenomatous polyposis 1 (FAP1). Also called: POLYPOSIS, ADENOMATOUS INTESTINAL; FAMILIAL ADENOMATOUS POLYPOSIS 1, ATTENUATED. Identifiers: MedGen C2713442, MONDO:0021056, OMIM 175100. Disease mechanism: loss of function.

Allele frequency attached by ClinVar (database versions not stated): gnomAD exomes below 0.00001; ExAC 0.00001.
gnomAD v4.1: 1 of 1,609,370 alleles (0.000062%); highest among the groups gnomAD compares: Non-Finnish European, 0.000085%; no homozygotes.

Submissions (3):

Labcorp Genetics (formerly Invitae), Labcorp
Classification: Uncertain significance for Familial adenomatous polyposis 1. Last evaluated: 2022-03-10. Review status: criteria provided, single submitter. Criteria: Invitae Variant Classification Sherloc (09022015). Collection method: clinical testing. Allele origin: germline.
Comment: In summary, the available evidence is currently insufficient to determine the role of this variant in disease. Therefore, it has been classified as a Variant of Uncertain Significance. Algorithms developed to predict the effect of missense changes on protein structure and function are either unavailable or do not agree on the potential impact of this missense change (SIFT: "Tolerated"; PolyPhen-2: "Probably Damaging"; Align-GVGD: "Class C0"). ClinVar contains an entry for this variant (Variation ID: 1317444). This variant has not been reported in the literature in individuals affected with APC-related conditions. This variant is present in population databases (rs772787939, gnomAD 0.0009%). This sequence change replaces glycine, which is neutral and non-polar, with glutamic acid, which is acidic and polar, at codon 53 of the APC protein (p.Gly53Glu).

GeneDx
Classification: Uncertain significance. Last evaluated: 2021-01-15. Review status: criteria provided, single submitter. Criteria: GeneDx Variant Classification Process June 2021. Collection method: clinical testing. Allele origin: germline. Affected: yes.
Comment: Not observed at a significant frequency in large population cohorts (Lek 2016); In silico analysis supports that this missense variant has a deleterious effect on protein structure/function; Has not been previously published as pathogenic or benign to our knowledge

Ambry Genetics
Classification: Uncertain significance for Hereditary cancer-predisposing syndrome. Last evaluated: 2020-02-07. Review status: criteria provided, single submitter. Criteria: Ambry Variant Classification Scheme 2023. Collection method: clinical testing. Allele origin: germline.
Comment: The p.G53E variant (also known as c.158G>A), located in coding exon 2 of the APC gene, results from a G to A substitution at nucleotide position 158. The glycine at codon 53 is replaced by glutamic acid, an amino acid with similar properties. This amino acid position is highly conserved in available vertebrate species. In addition, in silico predictors for this gene do not accurately predict pathogenicity. Since supporting evidence is limited at this time, the clinical significance of this alteration remains unclear.

NM_000038.6(APC):c.158G>A (p.Gly53Glu)

Gene: APC (APC regulator of Wnt signaling pathway; plus strand). Cytogenetic location: 5q22.2.
Variant type: single nucleotide variant.
Coding change: c.158G>A on transcript NM_000038.6 (MANE Select); coding-DNA position 158, G replaced by A.
Protein change: p.Gly53Glu; replaces glycine 53 with glutamic acid.
Molecular consequence: missense variant. On other transcripts: 5 prime UTR variant (4).
Genome position (GRCh38, 1-based): chr5:112,766,348, G>A. VCF-style: chr5-112766348-G-A. GRCh37 (hg19) VCF-style: chr5-112102045-G-A.
Other names: c.158G>A, p.Gly53Glu (NM_001127510.3, NM_001354895.2, NM_001354896.2 and 2 more transcripts); c.188G>A, p.Gly63Glu (NM_001127511.3, NM_001354897.2, NM_001354902.2); c.83G>A, p.Gly28Glu (NM_001354898.2, NM_001354904.2); c.-20G>A (NM_001354900.2, NM_001354901.2, NM_001354905.2); c.-878G>A (NM_001354906.2); short protein forms G28E, G53E, G63E.
Identifiers: ClinVar variation 1317444 (VCV001317444.8), dbSNP rs772787939, ClinGen allele CA028541.